The following is an entry in ClinVar:

ClinVar aggregate classification (germline): Uncertain significance (1 of 4 stars; one submission).

Allele frequency attached by ClinVar (database versions not stated): TOPMed below 0.00001.

Submission:

GeneDx
Classification: Uncertain significance. Last evaluated: 2023-05-11. Review status: criteria provided, single submitter. Criteria: GeneDx Variant Classification Process June 2021. Collection method: clinical testing. Allele origin: germline. Affected: yes.
Comment: Not observed at significant frequency in large population cohorts (gnomAD); In silico analysis supports that this missense variant has a deleterious effect on protein structure/function; Has not been previously published as pathogenic or benign to our knowledge

NM_007118.4(TRIO):c.8009T>C (p.Val2670Ala)

Gene: TRIO (trio Rho guanine nucleotide exchange factor; plus strand). Cytogenetic location: 5p15.2.
Variant type: single nucleotide variant.
Coding change: c.8009T>C on transcript NM_007118.4 (MANE Select); coding-DNA position 8009, T replaced by C.
Protein change: p.Val2670Ala; replaces valine 2670 with alanine.
Molecular consequence: missense variant. On other transcripts: non-coding transcript variant (1).
Genome position (GRCh38, 1-based): chr5:14,497,007, T>C. VCF-style: chr5-14497007-T-C. GRCh37 (hg19) VCF-style: chr5-14497116-T-C.
Other names: short protein forms V2670A.
Identifiers: ClinVar variation 2663615 (VCV002663615.1), dbSNP rs1021651189, ClinGen allele CA114008397.